The following is an entry in ClinVar:

NM_001348716.2(KDM6B):c.2565T>C (p.Pro855=)

Gene: KDM6B (lysine demethylase 6B; plus strand). Cytogenetic location: 17p13.1.
Variant type: single nucleotide variant.
Coding change: c.2565T>C on transcript NM_001348716.2 (MANE Select); coding-DNA position 2565, T replaced by C.
Protein change: p.Pro855=; no amino-acid change (proline 855 retained).
Molecular consequence: synonymous variant.
Genome position (GRCh38, 1-based): chr17:7,848,853, T>C. VCF-style: chr17-7848853-T-C. GRCh37 (hg19) VCF-style: chr17-7752171-T-C.
Other names: c.2565T>C, p.Pro855= (NM_001080424.2).
Identifiers: ClinVar variation 4822812 (VCV004822812.4).
Genomic context (GRCh38, chr17:7,848,853, plus strand): 5'-TCAGTATTCCCCTGGCCCCCCATCAGGTGCTACCGCCCTGCCGCCCACCTCAGCGGCCCC[T>C]AGCGCCCAGGGCTCCCCACAGCCCTCTGCTTCCTCGTCATCTCAGTTCTCTACCTCAGGC-3'
Protein context (NP_001335645.1, residues 845-865): ATALPPTSAA[Pro855=]SAQGSPQPSA

ClinVar aggregate classification (germline): Likely benign (1 of 4 stars; one submission).

Submission:

CeGaT Center for Human Genetics Tuebingen
Classification: Likely benign. Last evaluated: 2026-01-01. Review status: criteria provided, single submitter. Criteria: CeGaT Center For Human Genetics Tuebingen Variant Classification Criteria Version 2. Collection method: clinical testing. Allele origin: germline. Affected: yes. Observed: 1 variant allele.
Comment: KDM6B: PM2:Supporting, BP4, BP7